The following is an entry in ClinVar:

ClinVar aggregate classification (germline): Pathogenic (1 of 4 stars; one submission).

Conditions:
Pheochromocytoma/paraganglioma syndrome 5. Also called: Paragangliomas 5; SDHA-Related Hereditary Paraganglioma-Pheochromocytoma Syndrome. Identifiers: Orphanet 29072, MedGen C3279992, MONDO:0013602, OMIM 614165.
Mitochondrial complex II deficiency, nuclear type 1. Also called: SUCCINATE CoQ REDUCTASE DEFICIENCY. Identifiers: Orphanet 3208, MedGen C5700310, MONDO:0100294, OMIM 252011.

Submission:

Labcorp Genetics (formerly Invitae), Labcorp
Classification: Pathogenic for Pheochromocytoma/paraganglioma syndrome 5; Mitochondrial complex II deficiency, nuclear type 1. Last evaluated: 2024-12-12. Review status: criteria provided, single submitter. Criteria: Invitae Variant Classification Sherloc (09022015). Collection method: clinical testing. Allele origin: germline.
Comment: This sequence change creates a premature translational stop signal (p.Gln170*) in the SDHA gene. It is expected to result in an absent or disrupted protein product. Loss-of-function variants in SDHA are known to be pathogenic (PMID: 22974104, 24781757). This variant is not present in population databases (gnomAD no frequency). This variant has not been reported in the literature in individuals affected with SDHA-related conditions. ClinVar contains an entry for this variant (Variation ID: 665061). For these reasons, this variant has been classified as Pathogenic.

Literature cited by the submitters: PubMed 22974104; PubMed 24781757.

NM_004168.4(SDHA):c.508C>T (p.Gln170Ter)

Gene: SDHA (succinate dehydrogenase complex flavoprotein subunit A; plus strand). Cytogenetic location: 5p15.33.
Variant type: single nucleotide variant.
Coding change: c.508C>T on transcript NM_004168.4 (MANE Select); coding-DNA position 508, C replaced by T.
Protein change: p.Gln170Ter; replaces glutamine 170 with a stop codon.
Molecular consequence: nonsense.
Genome position (GRCh38, 1-based): chr5:225,934, C>T. VCF-style: chr5-225934-C-T. GRCh37 (hg19) VCF-style: chr5-226049-C-T.
Other names: c.364C>T, p.Gln122Ter (NM_001294332.2); c.508C>T, p.Gln170Ter (NM_001330758.2); short protein forms Q170*, Q122*.
Identifiers: ClinVar variation 665061 (VCV000665061.9), dbSNP rs1579385645, ClinGen allele CA359010101.